The following is an entry in ClinVar:

NM_001854.4(COL11A1):c.3065C>G (p.Pro1022Arg)

Gene: COL11A1 (collagen type XI alpha 1 chain; minus strand). Cytogenetic location: 1p21.1.
Variant type: single nucleotide variant.
Coding change: c.3065C>G on transcript NM_001854.4 (MANE Select); coding-DNA position 3065, C replaced by G.
Protein change: p.Pro1022Arg; replaces proline 1022 with arginine.
Molecular consequence: missense variant. On other transcripts: non-coding transcript variant (1).
Genome position (GRCh38, 1-based): chr1:102,962,225, G>C on the plus strand (C>G on the coding strand, the complement: COL11A1 is on the minus strand). VCF-style: chr1-102962225-G-C. GRCh37 (hg19) VCF-style: chr1-103427781-G-C.
Other names: c.2717C>G, p.Pro906Arg (NM_001168249.1, NM_080630.4); c.2948C>G, p.Pro983Arg (NM_001190709.2); c.3101C>G, p.Pro1034Arg (NM_080629.3); short protein forms P906R, P1022R, P1034R, P983R.
Identifiers: ClinVar variation 1912224 (VCV001912224.5), dbSNP rs1660980334, ClinGen allele CA341157006.

ClinVar aggregate classification (germline): Uncertain significance (1 of 4 stars; one submission).

Allele frequency attached by ClinVar (database versions not stated): gnomAD exomes below 0.00001.
gnomAD v4.1: 1 of 1,613,660 alleles (0.000062%); highest among the groups gnomAD compares: Non-Finnish European, 0.000085%; no homozygotes.

Submission:

Labcorp Genetics (formerly Invitae), Labcorp
Classification: Uncertain significance. Last evaluated: 2023-12-25. Review status: criteria provided, single submitter. Criteria: Invitae Variant Classification Sherloc (09022015). Collection method: clinical testing. Allele origin: germline.
Comment: This sequence change replaces proline, which is neutral and non-polar, with arginine, which is basic and polar, at codon 1022 of the COL11A1 protein (p.Pro1022Arg). This variant is not present in population databases (gnomAD no frequency). This variant has not been reported in the literature in individuals affected with COL11A1-related conditions. ClinVar contains an entry for this variant (Variation ID: 1912224). Advanced modeling of protein sequence and biophysical properties (such as structural, functional, and spatial information, amino acid conservation, physicochemical variation, residue mobility, and thermodynamic stability) has been performed at Invitae for this missense variant, however the output from this modeling did not meet the statistical confidence thresholds required to predict the impact of this variant on COL11A1 protein function. In summary, the available evidence is currently insufficient to determine the role of this variant in disease. Therefore, it has been classified as a Variant of Uncertain Significance.